The following is an entry in ClinVar:

ClinVar aggregate classification (germline): Uncertain significance (1 of 4 stars; one submission).

Conditions:
Congenital myotonia, autosomal dominant form (THD). Also called: THOMSEN DISEASE; Myotonia congenita autosomal dominant. Identifiers: Orphanet 614, MedGen C2936781, MONDO:0008055, OMIM 160800.
Congenital myotonia, autosomal recessive form. Also called: BECKER DISEASE; myotonia congenita, autosomal recessive; Becker Generalized Myotonia. Identifiers: Orphanet 614, MedGen C0751360, MONDO:0009715, OMIM 255700.

Allele frequency attached by ClinVar (database versions not stated): gnomAD exomes below 0.00001; gnomAD 0.00001; TOPMed 0.00001; ESP Exome Variant Server 0.00008.
gnomAD v4.1: 4 of 1,614,060 alleles (0.00025%); highest among the groups gnomAD compares: African/African-American, 0.0027%; no homozygotes.

Submission:

Labcorp Genetics (formerly Invitae), Labcorp
Classification: Uncertain significance for Congenital myotonia, autosomal recessive form; Congenital myotonia, autosomal dominant form. Last evaluated: 2025-10-09. Review status: criteria provided, single submitter. Criteria: Invitae Variant Classification Sherloc (09022015). Collection method: clinical testing. Allele origin: germline.
Comment: This sequence change replaces valine, which is neutral and non-polar, with isoleucine, which is neutral and non-polar, at codon 372 of the CLCN1 protein (p.Val372Ile). This variant is present in population databases (rs112058663, gnomAD 0.01%). This variant has not been reported in the literature in individuals affected with CLCN1-related conditions. ClinVar contains an entry for this variant (Variation ID: 2198090). Invitae Evidence Modeling of protein sequence and biophysical properties (such as structural, functional, and spatial information, amino acid conservation, physicochemical variation, residue mobility, and thermodynamic stability) has been performed for this missense variant. However, the output from this modeling did not meet the statistical confidence thresholds required to predict the impact of this variant on CLCN1 protein function. In summary, the available evidence is currently insufficient to determine the role of this variant in disease. Therefore, it has been classified as a Variant of Uncertain Significance.

NM_000083.3(CLCN1):c.1114G>A (p.Val372Ile)

Gene: CLCN1 (chloride voltage-gated channel 1; plus strand). Cytogenetic location: 7q34.
Variant type: single nucleotide variant.
Coding change: c.1114G>A on transcript NM_000083.3 (MANE Select); coding-DNA position 1114, G replaced by A.
Protein change: p.Val372Ile; replaces valine 372 with isoleucine.
Molecular consequence: missense variant. On other transcripts: non-coding transcript variant (1).
Genome position (GRCh38, 1-based): chr7:143,331,600, G>A. VCF-style: chr7-143331600-G-A. GRCh37 (hg19) VCF-style: chr7-143028693-G-A.
Other names: short protein forms V372I.
Identifiers: ClinVar variation 2198090 (VCV002198090.4), dbSNP rs112058663, ClinGen allele CA168213233.
Genomic context (GRCh38, chr7:143,331,600, plus strand): 5'-TACACCCTCAGGATTTGCTGTGGGCTCCTGGGAGCTGTATTTGTGTATCTGCATCGCCAA[G>A]TCATGCTCGGTGTCCGAAAGCACAAGGCCCTCAGCCAGTTTCTTGCTAAGCAGTGAGTCA-3'
Protein context (NP_000074.3, residues 362-382): GAVFVYLHRQ[Val372Ile]MLGVRKHKAL